The following is an entry in ClinVar:

ClinVar aggregate classification (germline): Uncertain significance (1 of 4 stars; one submission).

Conditions:
ALDOB-related disorder. Also called: ALDOB-related condition.

Submission:

PreventionGenetics, part of Exact Sciences
Classification: Uncertain significance for ALDOB-related condition. Last evaluated: 2026-05-26. Review status: criteria provided, single submitter. Criteria: ACMG Guidelines, 2015. Collection method: clinical testing. Allele origin: germline.
Comment: The ALDOB c.748G>T variant is predicted to result in the amino acid substitution p.Ala250Ser. To our knowledge, this variant has not been reported in the literature. This variant is reported in 0.068% of alleles in individuals of Latino descent in gnomAD, which may be too common to be a primary cause of disease. Although we suspect this variant may be benign, at this time, the clinical significance of this variant is uncertain due to the absence of conclusive functional and genetic evidence.

NM_000035.4(ALDOB):c.748G>T (p.Ala250Ser)

Gene: ALDOB (aldolase, fructose-bisphosphate B; minus strand). Cytogenetic location: 9q31.1.
Variant type: single nucleotide variant.
Coding change: c.748G>T on transcript NM_000035.4 (MANE Select); coding-DNA position 748, G replaced by T.
Protein change: p.Ala250Ser; replaces alanine 250 with serine.
Molecular consequence: missense variant.
Genome position (GRCh38, 1-based): chr9:101,425,504, C>A on the plus strand (G>T on the coding strand, the complement: ALDOB is on the minus strand). VCF-style: chr9-101425504-C-A. GRCh37 (hg19) VCF-style: chr9-104187786-C-A.
Other names: short protein forms A250S.
Identifiers: ClinVar variation 4978323 (VCV004978323.1).